The following is an entry in ClinVar:

ClinVar aggregate classification (germline): Uncertain significance (1 of 4 stars; one submission).

Conditions:
Hereditary cancer-predisposing syndrome. Also called: Tumor predisposition; Neoplastic Syndromes, Hereditary; Hereditary neoplastic syndrome; Hereditary Cancer Syndrome. Identifiers: Orphanet 140162, MedGen C0027672, MeSH D009386, MONDO:0015356.

Submission:

Color Diagnostics, LLC DBA Color Health
Classification: Uncertain significance for Hereditary cancer-predisposing syndrome. Last evaluated: 2023-03-28. Review status: criteria provided, single submitter. Criteria: ACMG Guidelines, 2015. Collection method: clinical testing. Allele origin: germline.
Comment: This missense variant replaces glutamine with histidine at codon 372 of the BAP1 protein. Computational prediction suggests that this variant may not impact protein structure and function (internally defined REVEL score threshold <= 0.5, PMID: 27666373). Splice site prediction tools suggest that this variant may impact RNA splicing. To our knowledge, functional studies have not been reported for this variant. This variant has not been reported in individuals affected with BAP1-related disorders in the literature. This variant has not been identified in the general population by the Genome Aggregation Database (gnomAD). The available evidence is insufficient to determine the role of this variant in disease conclusively. Therefore, this variant is classified as a Variant of Uncertain Significance.

NM_004656.4(BAP1):c.1116G>C (p.Gln372His)

Gene: BAP1 (BRCA1 associated deubiquitinase 1; minus strand). Cytogenetic location: 3p21.1.
Variant type: single nucleotide variant.
Coding change: c.1116G>C on transcript NM_004656.4 (MANE Select); coding-DNA position 1116, G replaced by C.
Protein change: p.Gln372His; replaces glutamine 372 with histidine.
Molecular consequence: missense variant.
Genome position (GRCh38, 1-based): chr3:52,405,110, C>G on the plus strand (G>C on the coding strand, the complement: BAP1 is on the minus strand). VCF-style: chr3-52405110-C-G. GRCh37 (hg19) VCF-style: chr3-52439126-C-G.
Other names: short protein forms Q372H.
Identifiers: ClinVar variation 630811 (VCV000630811.5), dbSNP rs1559588330, ClinGen allele CA353105030.
Genomic context (GRCh38, chr3:52,405,110, plus strand): 5'-CCTGTTGCAGCCTCTCAAGAGAATCAAGTAGAGAATCCTGCAAGGGTGCTCCCAGCTTAC[C>G]TGCATGGGGGACTTGGCATAATTGTGATTGTCTAGAAAGGCCGGCAGCCGCTGGACAATG-3'
Protein context (NP_004647.1, residues 362-382): DNHNYAKSPM[Gln372His]EEEDLAAGVG